The following is an entry in ClinVar:

NM_000143.4(FH):c.134C>G (p.Ala45Gly)

Gene: FH (fumarate hydratase; minus strand). Cytogenetic location: 1q43.
Variant type: single nucleotide variant.
Coding change: c.134C>G on transcript NM_000143.4 (MANE Select); coding-DNA position 134, C replaced by G.
Protein change: p.Ala45Gly; replaces alanine 45 with glycine.
Molecular consequence: missense variant.
Genome position (GRCh38, 1-based): chr1:241,517,315, G>C on the plus strand (C>G on the coding strand, the complement: FH is on the minus strand). VCF-style: chr1-241517315-G-C. GRCh37 (hg19) VCF-style: chr1-241680615-G-C.
Other names: short protein forms A45G.
Identifiers: ClinVar variation 3230436 (VCV003230436.2), dbSNP rs2527340466, ClinGen allele CA345442065.

ClinVar aggregate classification (germline): Uncertain significance. Review status: criteria provided, single submitter (1 of 4 stars). 2 submissions from 2 submitters: Uncertain significance (1). 1 of the submissions does not count toward it. Last evaluated 2022-11-19.

Conditions:
Hereditary cancer-predisposing syndrome. Also called: Hereditary Cancer Syndrome; Tumor predisposition; Neoplastic Syndromes, Hereditary; Hereditary neoplastic syndrome. Identifiers: Orphanet 140162, MedGen C0027672, MeSH D009386, MONDO:0015356.
Fumarase deficiency (FMRD). Also called: Fumarate Hydratase Deficiency; Fumaric aciduria. Identifiers: Orphanet 24, MedGen C0342770, MONDO:0011730, OMIM 606812.

Submissions (2):

Ambry Genetics
Classification: Uncertain significance for Hereditary cancer-predisposing syndrome. Last evaluated: 2022-11-19. Review status: criteria provided, single submitter. Criteria: Ambry Variant Classification Scheme 2023. Collection method: clinical testing. Allele origin: germline.
Comment: The p.A45G variant (also known as c.134C>G), located in coding exon 2 of the FH gene, results from a C to G substitution at nucleotide position 134. The alanine at codon 45 is replaced by glycine, an amino acid with similar properties. This amino acid position is conserved. In addition, this alteration is predicted to be deleterious by in silico analysis. Since supporting evidence is limited at this time, the clinical significance of this alteration remains unclear.

Natera, Inc.
Classification: Uncertain significance for Fumarase Deficiency. Last evaluated: 2025-05-22. Review status: no assertion criteria provided. Collection method: clinical testing. Allele origin: germline. Not counted in ClinVar's aggregate classification.